The following is an entry in ClinVar:

NM_005886.3(KATNB1):c.66C>T (p.Asn22=)

Gene: KATNB1 (katanin regulatory subunit B1; plus strand). Cytogenetic location: 16q21.
Variant type: single nucleotide variant.
Coding change: c.66C>T on transcript NM_005886.3 (MANE Select); coding-DNA position 66, C replaced by T.
Protein change: p.Asn22=; no amino-acid change (asparagine 22 retained).
Molecular consequence: synonymous variant.
Genome position (GRCh38, 1-based): chr16:57,741,712, C>T. VCF-style: chr16-57741712-C-T. GRCh37 (hg19) VCF-style: chr16-57775624-C-T.
Identifiers: ClinVar variation 777032 (VCV000777032.16), dbSNP rs79827430, ClinGen allele CA8080610.

ClinVar aggregate classification (germline): Benign/Likely benign. Review status: criteria provided, multiple submitters, no conflicts (2 of 4 stars). 4 submissions from 4 submitters: Benign (1); Likely benign (2). 1 of the submissions does not count toward it. Last evaluated 2026-01-28.

Conditions:
KATNB1-related disorder. Also called: KATNB1-related condition.

Allele frequency attached by ClinVar (database versions not stated): gnomAD exomes 0.00115 and 0.00323; ExAC 0.00385; gnomAD 0.01230 and 0.01316; ESP Exome Variant Server 0.01393; TOPMed 0.01400; 1000 Genomes Project 0.01478; 1000 Genomes Project 30x 0.01671.

Submissions (4):

Labcorp Genetics (formerly Invitae), Labcorp
Classification: Benign. Last evaluated: 2026-01-28. Review status: criteria provided, single submitter. Criteria: Invitae Variant Classification Sherloc (09022015). Collection method: clinical testing. Allele origin: germline.

GeneDx
Classification: Likely benign. Last evaluated: 2021-10-15. Review status: criteria provided, single submitter. Criteria: GeneDx Variant Classification Process June 2021. Collection method: clinical testing. Allele origin: germline. Affected: yes.

Breakthrough Genomics
Classification: Likely benign. Review status: criteria provided, single submitter. Criteria: ACMG Guidelines, 2015. Collection method: not provided. Allele origin: germline. Inheritance: Autosomal recessive inheritance. Affected: yes.

PreventionGenetics, part of Exact Sciences
Classification: Benign for KATNB1-related condition. Last evaluated: 2019-10-16. Review status: no assertion criteria provided. Collection method: clinical testing. Allele origin: germline. Not counted in ClinVar's aggregate classification.
Comment: This variant is classified as benign based on ACMG/AMP sequence variant interpretation guidelines (Richards et al. 2015 PMID: 25741868, with internal and published modifications).